The following is an entry in ClinVar:

ClinVar aggregate classification (germline): Likely pathogenic (1 of 4 stars; one submission).

Conditions:
Familial adenomatous polyposis 2. Also called: FAP type 2; COLORECTAL ADENOMATOUS POLYPOSIS, AUTOSOMAL RECESSIVE; ADENOMAS, MULTIPLE COLORECTAL, AUTOSOMAL RECESSIVE; MYH-associated polyposis; Adenomas, multiple colorectal; MUTYH-associated polyposis. Identifiers: Orphanet 220460, Orphanet 247798, MedGen C3272841, MONDO:0012041, OMIM 608456.

gnomAD v4.1: 1 of 1,613,852 alleles (0.000062%); highest among the groups gnomAD compares: Non-Finnish European, 0.000085%; no homozygotes.

Submission:

Labcorp Genetics (formerly Invitae), Labcorp
Classification: Likely pathogenic for Familial adenomatous polyposis 2. Last evaluated: 2024-12-08. Review status: criteria provided, single submitter. Criteria: Invitae Variant Classification Sherloc (09022015). Collection method: clinical testing. Allele origin: germline.
Comment: This sequence change affects a donor splice site in intron 3 of the MUTYH gene. It is expected to disrupt RNA splicing. Variants that disrupt the donor or acceptor splice site typically lead to a loss of protein function (PMID: 16199547), and loss-of-function variants in MUTYH are known to be pathogenic (PMID: 18534194, 20663686). This variant is not present in population databases (gnomAD no frequency). This variant has not been reported in the literature in individuals affected with MUTYH-related conditions. Algorithms developed to predict the effect of sequence changes on RNA splicing suggest that this variant may disrupt the consensus splice site. In summary, the currently available evidence indicates that the variant is pathogenic, but additional data are needed to prove that conclusively. Therefore, this variant has been classified as Likely Pathogenic.

Literature cited by the submitters: PubMed 16199547; PubMed 18534194; PubMed 20663686.

NM_001048174.2(MUTYH):c.264+2T>C

Gene: MUTYH (mutY DNA glycosylase; minus strand). Cytogenetic location: 1p34.1.
Variant type: single nucleotide variant.
Coding change: c.264+2T>C on transcript NM_001048174.2 (MANE Select); the canonical splice donor site of the intron after coding-DNA position 264, T replaced by C.
Molecular consequence: splice donor variant.
Genome position (GRCh38, 1-based): chr1:45,333,411, A>G on the plus strand (T>C on the coding strand, the complement: MUTYH is on the minus strand). VCF-style: chr1-45333411-A-G. GRCh37 (hg19) VCF-style: chr1-45799083-A-G.
Other names: c.264+2T>C (NM_001407072.1, NM_001407088.1, NM_001293195.2 and 6 more transcripts); c.-8+2T>C (NM_001350651.2, NM_001350650.2, NM_001407082.1); c.267+2T>C (NM_001407086.1, NM_001407078.1, NM_001407071.1 and 2 more transcripts); c.297+2T>C (NM_001293191.2, NM_001407077.1); c.306+2T>C (NM_001407085.1, NM_001407073.1, NM_001407083.1); c.285+2T>C (NM_001407087.1); c.180+2T>C (NM_001407075.1); c.-13+2T>C (NM_001407091.1, NM_001293192.2, NM_001293196.2); and 3 more.
Identifiers: ClinVar variation 3651970 (VCV003651970.2).